The following is an entry in ClinVar:

ClinVar aggregate classification (germline): Conflicting classifications of pathogenicity. Review status: criteria provided, conflicting classifications (1 of 4 stars). 12 submissions from 12 submitters: Uncertain significance (1); Benign (5); Likely benign (5). 1 of the submissions does not count toward it. Last evaluated 2026-06-01.

Conditions:
TSC2-related disorder. Also called: TSC2-related condition; TSC2-Related Disorders.
Hereditary cancer-predisposing syndrome. Also called: Neoplastic Syndromes, Hereditary; Hereditary neoplastic syndrome; Tumor predisposition; Hereditary Cancer Syndrome. Identifiers: Orphanet 140162, MedGen C0027672, MeSH D009386, MONDO:0015356.
Tuberous sclerosis syndrome (TSC). Also called: Tuberous Sclerosis Complex; Tuberous sclerosis. Identifiers: Orphanet 805, MedGen C0041341, MONDO:0001734.
Tuberous sclerosis 2 (TSC2). Identifiers: Orphanet 805, MedGen C1860707, MONDO:0013199, OMIM 613254.

Allele frequency attached by ClinVar (database versions not stated): TOPMed 0.00016; 1000 Genomes Project 0.00020; ESP Exome Variant Server 0.00023; gnomAD 0.00025; 1000 Genomes Project 30x 0.00047.
gnomAD v4.1: 56 of 1,612,810 alleles (0.0035%); highest among the groups gnomAD compares: African/African-American, 0.067%; no homozygotes.

Submissions (12):

CeGaT Center for Human Genetics Tuebingen
Classification: Likely benign. Last evaluated: 2026-06-01. Review status: criteria provided, single submitter. Criteria: CeGaT Center For Human Genetics Tuebingen Variant Classification Criteria Version 2. Collection method: clinical testing. Allele origin: germline. Affected: yes. Observed: 1 variant allele.
Comment: TSC2: BS1

PreventionGenetics, part of Exact Sciences
Classification: Likely benign for TSC2-related condition. Last evaluated: 2026-04-27. Review status: criteria provided, single submitter. Criteria: ACMG Guidelines, 2015. Collection method: clinical testing. Allele origin: germline.
Comment: This variant is classified as likely benign based on ACMG/AMP sequence variant interpretation guidelines (Richards et al. 2015 PMID: 25741868, with internal and published modifications).

Labcorp Genetics (formerly Invitae), Labcorp
Classification: Benign for Tuberous sclerosis 2. Last evaluated: 2026-02-01. Review status: criteria provided, single submitter. Criteria: Invitae Variant Classification Sherloc (09022015). Collection method: clinical testing. Allele origin: germline.

ARUP Laboratories, Molecular Genetics and Genomics, ARUP Laboratories
Classification: Likely benign. Last evaluated: 2025-05-07. Review status: criteria provided, single submitter. Criteria: ARUP Molecular Germline Variant Investigation Process 2024. Collection method: clinical testing. Allele origin: germline.

Myriad Genetics, Inc.
Classification: Likely benign for Tuberous sclerosis 2. Last evaluated: 2024-08-26. Review status: criteria provided, single submitter. Criteria: Myriad Autosomal Dominant, Autosomal Recessive and X-Linked Classification Criteria (2023). Collection method: clinical testing. Allele origin: unknown.
Comment: This variant is considered likely benign. This variant has been observed at a population frequency that is significantly greater than expected given the associated disease prevalence and penetrance.

Color Diagnostics, LLC DBA Color Health
Classification: Likely benign for Tuberous sclerosis syndrome. Last evaluated: 2022-12-15. Review status: criteria provided, single submitter. Criteria: ACMG Guidelines, 2015. Collection method: clinical testing. Allele origin: germline.

Genome-Nilou Lab
Classification: Benign for Tuberous sclerosis 2. Last evaluated: 2021-11-07. Review status: criteria provided, single submitter. Criteria: ACMG Guidelines, 2015. Collection method: clinical testing. Allele origin: germline. Affected: no.

Sema4
Classification: Benign for Hereditary cancer-predisposing syndrome. Last evaluated: 2020-11-29. Review status: criteria provided, single submitter. Criteria: Sema4 Curation Guidelines. Collection method: curation. Allele origin: germline.

Ambry Genetics
Classification: Benign for Hereditary cancer-predisposing syndrome. Last evaluated: 2020-11-02. Review status: criteria provided, single submitter. Criteria: Ambry Variant Classification Scheme 2023. Collection method: clinical testing. Allele origin: germline.

GeneDx
Classification: Benign. Last evaluated: 2019-02-12. Review status: criteria provided, single submitter. Criteria: GeneDx Variant Classification Process June 2021. Collection method: clinical testing. Allele origin: germline. Affected: yes.

Women's Health and Genetics/Laboratory Corporation of America, LabCorp
Classification: Uncertain significance. Last evaluated: 2017-06-16. Review status: criteria provided, single submitter. Criteria: LabCorp Variant Classification Summary - May 2015. Collection method: clinical testing. Allele origin: germline.
Comment: Variant summary: The TSC2 c.5262C>G (p.Ile1754Met) variant involves the alteration of a non-conserved nucleotide. 2/3 in silico tools predict a benign outcome for this variant. This variant was found in 6/119900 control chromosomes, predominantly observed in the African subpopulation at a frequency of 0.000586 (6/10236). This frequency is about 9 times the estimated maximal expected allele frequency of a pathogenic TSC2 variant (0.0000688), suggesting this is likely a benign polymorphism found primarily in the populations of African origin. In addition, multiple clinical diagnostic laboratories/reputable databases classified this variant as uncertain significance. The variant of interest has not, to our knowledge, been reported in affected individuals via publications nor evaluated for functional impact by in vivo/vitro studies. Because of the absence of clinical information and the lack of functional studies, the variant is classified as a variant of uncertain significance - possibly benign variant until additional information becomes available.

Department of Pathology and Laboratory Medicine, Sinai Health System
Classification: Likely benign. Review status: no assertion criteria provided. Collection method: clinical testing. Allele origin: unknown. Affected: yes. Study: The Canadian Open Genetics Repository (COGR). Not counted in ClinVar's aggregate classification.
Comment: The TSC2 p.Ile1651Met variant was not identified in the literature nor was it identified in Cosmic or LOVD 3.0. The variant was identified in dbSNP (ID: rs397515318) and in ClinVar (alias: NM_000548.4:c.5262C>G (p.Ile1754Met); classified as conflicting interpretations of pathogenicity with benign by Invitae and VUS by Ambry Genetics and Integrated Genetics; associated conditions are Tuberous sclerosis 2 and Hereditary cancer-predisposing syndrome) The variant was identified in control databases in 21 of 281550 chromosomes at a frequency of 0.000075 (Genome Aggregation Database Feb 27, 2017) and was observed in the following populations: African in 19 of 24858 chromosomes (freq: 0.000764), Latino in 1 of 35422 chromosomes (freq: 0.000028) and European (non-Finnish) in 1 of 128140 chromosomes (freq: 0.000008), while the variant was not observed in the Ashkenazi Jewish, East Asian, European (Finnish), Other and South Asian populations. The p.Ile1651 residue is conserved in mammals and computational analyses (PolyPhen-2, SIFT, AlignGVGD, BLOSUM, MutationTaster) provide inconsistent predictions regarding the impact to the protein; this information is not very predictive of pathogenicity. The p.Ile1651Met variant occurs in the first three bases of the exon. This position has been shown to be part of the splicing consensus sequence and variants involving this position sometimes affect splicing. However, in silico or computational prediction software programs (SpliceSiteFinder, MaxEntScan, NNSPLICE, GeneSplicer) do not predict a difference in splicing. In summary, based on the above information the clinical significance of this variant cannot be determined with certainty at this time although we would lean towards a more benign role for this variant. This variant is classified as likely benign.

NM_000548.5(TSC2):c.5262C>G (p.Ile1754Met)

Gene: TSC2 (TSC complex subunit 2; plus strand). Cytogenetic location: 16p13.3.
Variant type: single nucleotide variant.
Coding change: c.5262C>G on transcript NM_000548.5 (MANE Select); coding-DNA position 5262, C replaced by G.
Protein change: p.Ile1754Met; replaces isoleucine 1754 with methionine.
Molecular consequence: missense variant.
Genome position (GRCh38, 1-based): chr16:2,088,448, C>G. VCF-style: chr16-2088448-C-G. GRCh37 (hg19) VCF-style: chr16-2138449-C-G.
Other names: c.5061C>G, p.Ile1687Met (NM_001077183.3); c.5193C>G, p.Ile1731Met (NM_001114382.3); c.4953C>G, p.Ile1651Met (NM_001318827.2); c.4917C>G, p.Ile1639Met (NM_001318829.2); c.4530C>G, p.Ile1510Met (NM_001318831.2); c.5094C>G, p.Ile1698Met (NM_001318832.2); c.5064C>G, p.Ile1688Met (NM_001363528.2); c.5130C>G, p.Ile1710Met (NM_001370404.1); and 3 more; short protein forms I1754M, I1510M, I1651M, I1687M, I1707M, I1710M, I1711M, I1698M.
Identifiers: ClinVar variation 406068 (VCV000406068.29), dbSNP rs397515318, ClinGen allele CA054841.